The following is an entry in ClinVar:

NM_001321967.2(ATAD1):c.544A>G (p.Ile182Val)

Gene: ATAD1 (ATPase family AAA domain containing 1; minus strand). Cytogenetic location: 10q23.31.
Variant type: single nucleotide variant.
Coding change: c.544A>G on transcript NM_001321967.2 (MANE Select); coding-DNA position 544, A replaced by G.
Protein change: p.Ile182Val; replaces isoleucine 182 with valine.
Molecular consequence: missense variant. On other transcripts: non-coding transcript variant (1).
Genome position (GRCh38, 1-based): chr10:87,784,509, T>C on the plus strand (A>G on the coding strand, the complement: ATAD1 is on the minus strand). VCF-style: chr10-87784509-T-C. GRCh37 (hg19) VCF-style: chr10-89544266-T-C.
Other names: c.544A>G, p.Ile182Val (NM_001321968.2, NM_032810.4); c.187A>G, p.Ile63Val (NM_001321969.2); short protein forms I182V, I63V.
Identifiers: ClinVar variation 1462766 (VCV001462766.8), dbSNP rs1047023231, ClinGen allele CA211261984.

ClinVar aggregate classification (germline): Uncertain significance (1 of 4 stars; one submission).

Allele frequency attached by ClinVar (database versions not stated): gnomAD 0.00001; gnomAD exomes 0.00001.
gnomAD v4.1: 4 of 1,613,634 alleles (0.00025%); highest among the groups gnomAD compares: Admixed American, 0.0017%; no homozygotes.

Submission:

Labcorp Genetics (formerly Invitae), Labcorp
Classification: Uncertain significance. Last evaluated: 2022-06-27. Review status: criteria provided, single submitter. Criteria: Invitae Variant Classification Sherloc (09022015). Collection method: clinical testing. Allele origin: germline.
Comment: In summary, the available evidence is currently insufficient to determine the role of this variant in disease. Therefore, it has been classified as a Variant of Uncertain Significance. Algorithms developed to predict the effect of missense changes on protein structure and function output the following: SIFT: "Not Available"; PolyPhen-2: "Benign"; Align-GVGD: "Not Available". The valine amino acid residue is found in multiple mammalian species, which suggests that this missense change does not adversely affect protein function. This variant has not been reported in the literature in individuals affected with ATAD1-related conditions. This variant is not present in population databases (gnomAD no frequency). This sequence change replaces isoleucine, which is neutral and non-polar, with valine, which is neutral and non-polar, at codon 182 of the ATAD1 protein (p.Ile182Val).